The following is an entry in ClinVar:

NM_024422.6(DSC2):c.860A>C (p.Gln287Pro)

Gene: DSC2 (desmocollin 2; minus strand). Cytogenetic location: 18q12.1.
Variant type: single nucleotide variant.
Coding change: c.860A>C on transcript NM_024422.6 (MANE Select); coding-DNA position 860, A replaced by C.
Protein change: p.Gln287Pro; replaces glutamine 287 with proline.
Molecular consequence: missense variant.
Genome position (GRCh38, 1-based): chr18:31,086,658, T>G on the plus strand (A>C on the coding strand, the complement: DSC2 is on the minus strand). VCF-style: chr18-31086658-T-G. GRCh37 (hg19) VCF-style: chr18-28666621-T-G.
Other names: c.431A>C, p.Gln144Pro (NM_001406506.1, NM_001406507.1); c.860A>C, p.Gln287Pro (NM_004949.5); short protein forms Q287P, Q144P.
Identifiers: ClinVar variation 1764031 (VCV001764031.2), dbSNP rs748657811, ClinGen allele CA040302.

ClinVar aggregate classification (germline): Uncertain significance (1 of 4 stars; one submission).

Conditions:
Cardiovascular phenotype. Identifiers: MedGen CN230736.

Allele frequency attached by ClinVar (database versions not stated): gnomAD exomes below 0.00001.
gnomAD v4.1: 2 of 1,614,200 alleles (0.00012%); highest among the groups gnomAD compares: Non-Finnish European, 0.00017%; no homozygotes.

Submission:

Ambry Genetics
Classification: Uncertain significance for Cardiovascular phenotype. Last evaluated: 2021-12-08. Review status: criteria provided, single submitter. Criteria: Ambry Variant Classification Scheme 2023. Collection method: clinical testing. Allele origin: germline.
Comment: The p.Q287P variant (also known as c.860A>C), located in coding exon 7 of the DSC2 gene, results from an A to C substitution at nucleotide position 860. The glutamine at codon 287 is replaced by proline, an amino acid with similar properties. This amino acid position is conserved. In addition, the in silico prediction for this alteration is inconclusive. Since supporting evidence is limited at this time, the clinical significance of this alteration remains unclear.